The following is an entry in ClinVar:

NM_001376.5(DYNC1H1):c.4514C>T (p.Ser1505Leu)

Gene: DYNC1H1 (dynein cytoplasmic 1 heavy chain 1; plus strand). Cytogenetic location: 14q32.31.
Variant type: single nucleotide variant.
Coding change: c.4514C>T on transcript NM_001376.5 (MANE Select); coding-DNA position 4514, C replaced by T.
Protein change: p.Ser1505Leu; replaces serine 1505 with leucine.
Molecular consequence: missense variant.
Genome position (GRCh38, 1-based): chr14:102,001,653, C>T. VCF-style: chr14-102001653-C-T. GRCh37 (hg19) VCF-style: chr14-102467990-C-T.
Other names: short protein forms S1505L.
Identifiers: ClinVar variation 2705324 (VCV002705324.3), dbSNP rs766475544, ClinGen allele CA7352247.

ClinVar aggregate classification (germline): Uncertain significance (1 of 4 stars; one submission).

Conditions:
Charcot-Marie-Tooth disease axonal type 2O. Also called: CHARCOT-MARIE-TOOTH DISEASE, AXONAL, AUTOSOMAL DOMINANT, TYPE 2O; Charcot-Marie-Tooth disease, axonal, type 20; Charcot-Marie-Tooth Neuropathy Type 2O; CHARCOT-MARIE-TOOTH NEUROPATHY, AXONAL, TYPE 2O. Identifiers: Orphanet 284232, MedGen C3280220, MONDO:0013644, OMIM 614228.

Allele frequency attached by ClinVar (database versions not stated): gnomAD exomes 0.00001; gnomAD 0.00001; ExAC 0.00002.
gnomAD v4.1: 11 of 1,614,046 alleles (0.00068%); highest among the groups gnomAD compares: Middle Eastern, 0.016%; no homozygotes.

Submission:

Labcorp Genetics (formerly Invitae), Labcorp
Classification: Uncertain significance for Charcot-Marie-Tooth disease axonal type 2O. Last evaluated: 2025-04-28. Review status: criteria provided, single submitter. Criteria: Invitae Variant Classification Sherloc (09022015). Collection method: clinical testing. Allele origin: germline.
Comment: This sequence change replaces serine, which is neutral and polar, with leucine, which is neutral and non-polar, at codon 1505 of the DYNC1H1 protein (p.Ser1505Leu). This variant is present in population databases (rs766475544, gnomAD 0.02%). This variant has not been reported in the literature in individuals affected with DYNC1H1-related conditions. ClinVar contains an entry for this variant (Variation ID: 2705324). Invitae Evidence Modeling of protein sequence and biophysical properties (such as structural, functional, and spatial information, amino acid conservation, physicochemical variation, residue mobility, and thermodynamic stability) has been performed for this missense variant. However, the output from this modeling did not meet the statistical confidence thresholds required to predict the impact of this variant on DYNC1H1 protein function. In summary, the available evidence is currently insufficient to determine the role of this variant in disease. Therefore, it has been classified as a Variant of Uncertain Significance.